The following is an entry in ClinVar:

NM_173477.5(USH1G):c.510C>T (p.Ala170=)

Gene: USH1G (USH1 protein network component sans; minus strand). Cytogenetic location: 17q25.1.
Variant type: single nucleotide variant.
Coding change: c.510C>T on transcript NM_173477.5 (MANE Select); coding-DNA position 510, C replaced by T.
Protein change: p.Ala170=; no amino-acid change (alanine 170 retained).
Molecular consequence: synonymous variant.
Genome position (GRCh38, 1-based): chr17:74,920,326, G>A on the plus strand (C>T on the coding strand, the complement: USH1G is on the minus strand). VCF-style: chr17-74920326-G-A. GRCh37 (hg19) VCF-style: chr17-72916421-G-A.
Other names: c.201C>T, p.Ala67= (NM_001282489.3).
Identifiers: ClinVar variation 514569 (VCV000514569.3), dbSNP rs374630813, ClinGen allele CA502036874.

ClinVar aggregate classification (germline): Likely benign. Review status: criteria provided, multiple submitters, no conflicts (2 of 4 stars). 2 submissions from 2 submitters: Likely benign (2). Last evaluated 2024-06-08.

gnomAD v4.1: 2 of 1,608,952 alleles (0.00012%); highest among the groups gnomAD compares: African/African-American, 0.0013%; no homozygotes.

Submissions (2):

Labcorp Genetics (formerly Invitae), Labcorp
Classification: Likely benign. Last evaluated: 2024-06-08. Review status: criteria provided, single submitter. Criteria: Invitae Variant Classification Sherloc (09022015). Collection method: clinical testing. Allele origin: germline.

GeneDx
Classification: Likely benign. Last evaluated: 2018-01-18. Review status: criteria provided, single submitter. Criteria: GeneDx Variant Classification (06012015). Collection method: clinical testing. Allele origin: germline. Affected: yes.
Comment: This variant is considered likely benign or benign based on one or more of the following criteria: it is a conservative change, it occurs at a poorly conserved position in the protein, it is predicted to be benign by multiple in silico algorithms, and/or has population frequency not consistent with disease.